The following is an entry in ClinVar:

ClinVar aggregate classification (germline): Uncertain significance (1 of 4 stars; one submission).

Allele frequency attached by ClinVar (database versions not stated): gnomAD 0.00001; gnomAD exomes 0.00001; TOPMed 0.00001; ExAC 0.00003.
gnomAD v4.1: 17 of 1,611,656 alleles (0.0011%); highest among the groups gnomAD compares: Admixed American, 0.005%; no homozygotes.

Submission:

Labcorp Genetics (formerly Invitae), Labcorp
Classification: Uncertain significance. Last evaluated: 2022-01-22. Review status: criteria provided, single submitter. Criteria: Invitae Variant Classification Sherloc (09022015). Collection method: clinical testing. Allele origin: germline.
Comment: This sequence change replaces alanine, which is neutral and non-polar, with threonine, which is neutral and polar, at codon 1914 of the LRRK1 protein (p.Ala1914Thr). This variant is present in population databases (rs770769016, gnomAD 0.009%). This variant has not been reported in the literature in individuals affected with LRRK1-related conditions. Algorithms developed to predict the effect of missense changes on protein structure and function (SIFT, PolyPhen-2, Align-GVGD) all suggest that this variant is likely to be tolerated. In summary, the available evidence is currently insufficient to determine the role of this variant in disease. Therefore, it has been classified as a Variant of Uncertain Significance.

NM_024652.6(LRRK1):c.5740G>A (p.Ala1914Thr)

Genes: LRRK1 (leucine rich repeat kinase 1; plus strand), LRRK1-AS1 (LRRK1 antisense RNA 1; minus strand). Cytogenetic location: 15q26.3.
Variant type: single nucleotide variant.
Coding change: c.5740G>A on transcript NM_024652.6 (MANE Select); coding-DNA position 5740, G replaced by A.
Protein change: p.Ala1914Thr; replaces alanine 1914 with threonine.
Molecular consequence: missense variant.
Genome position (GRCh38, 1-based): chr15:101,066,177, G>A. VCF-style: chr15-101066177-G-A. GRCh37 (hg19) VCF-style: chr15-101606382-G-A.
Other names: short protein forms A1914T.
Identifiers: ClinVar variation 2417508 (VCV002417508.3), dbSNP rs770769016, ClinGen allele CA7762214.